The following is an entry in ClinVar:

ClinVar aggregate classification (germline): Pathogenic. Review status: criteria provided, multiple submitters, no conflicts (2 of 4 stars). 7 submissions from 7 submitters: Pathogenic (4). 3 of the submissions do not count toward it. Last evaluated 2025-09-10.

Conditions:
von Willebrand disease type 2 (VWD2). Also called: VWD, TYPE 2; VON WILLEBRAND DISEASE, TYPE 2A/IIE; VON WILLEBRAND DISEASE, TYPE 2CB; VON WILLEBRAND DISEASE, TYPE II. Identifiers: Orphanet 166081, Orphanet 903, MedGen C1264040, MONDO:0013304, OMIM 613554.
von Willebrand disease type 3 (VWD3). Also called: Type 3 Von Willebrand's disease; Type 3 VWD; Von Willebrand disease, severe form; V WD3; VON WILLEBRAND DISEASE, TYPE III. Identifiers: Orphanet 166096, MedGen C1264041, MONDO:0010191, OMIM 277480.
VWF-related disorder. Also called: VWF-related condition; VWF-related disorders.
von Willebrand disease type 1 (VWD1). Also called: VWD, TYPE 1; VON WILLEBRAND DISEASE, TYPE I. Identifiers: Orphanet 166078, Orphanet 903, MedGen C1264039, MONDO:0008668, OMIM 193400. Inheritance: autosomal recessive or autosomal dominant.

Allele frequency attached by ClinVar (database versions not stated): ExAC 0.00001; gnomAD exomes 0.00001; TOPMed 0.00002.
gnomAD v4.1: 12 of 1,614,210 alleles (0.00074%); highest among the groups gnomAD compares: East Asian, 0.0022%; no homozygotes.

Submissions (7):

Genomic Medicine Center of Excellence, King Faisal Specialist Hospital and Research Centre
Classification: Pathogenic for von Willebrand disease type 1. Last evaluated: 2025-09-10. Review status: criteria provided, single submitter. Criteria: ACMG Guidelines, 2015. Collection method: clinical testing. Allele origin: germline.

First Genomix Gene Laboratory, Genetic Diagnostics Department
Classification: Pathogenic for von Willebrand disease type 3; von Willebrand disease type 2. Last evaluated: 2025-09-02. Review status: criteria provided, single submitter. Criteria: ACMG Guidelines, 2015. Collection method: clinical testing. Allele origin: germline. Inheritance: Autosomal recessive inheritance. Affected: no. Observed: 1 variant allele.

GeneDx
Classification: Pathogenic. Last evaluated: 2025-06-16. Review status: criteria provided, single submitter. Criteria: GeneDx Variant Classification Process June 2021. Collection method: clinical testing. Allele origin: germline. Affected: yes.
Comment: Nonsense variant predicted to result in protein truncation or nonsense mediated decay in a gene for which loss of function is a known mechanism of disease; Not observed at significant frequency in large population cohorts (gnomAD); This variant is associated with the following publications: (PMID: 25525159, 28536718, 35343054, 24675615, 31532876, 16321553, 34272389, 28971901, 19277422, 37647632)

Genetics and Molecular Pathology, SA Pathology
Classification: Pathogenic for von Willebrand disease type 2. Last evaluated: 2022-01-10. Review status: criteria provided, single submitter. Criteria: ACMG Guidelines, 2015. Collection method: clinical testing. Allele origin: germline. Affected: yes.

PreventionGenetics, part of Exact Sciences
Classification: Pathogenic for VWF-related condition. Last evaluated: 2024-04-18. Review status: no assertion criteria provided. Collection method: clinical testing. Allele origin: germline. Not counted in ClinVar's aggregate classification.
Comment: The VWF c.100C>T variant is predicted to result in premature protein termination (p.Arg34*). This variant was reported along with a missense variant in two individuals with Von Willebrand disease types 1 and 3 (Kakela et al. 2006. PubMed ID: 16321553; Liang et al. 2017. PubMed ID: 28536718) and was reported in a study of patients with unspecified bleeding disorders (Table S3, Baz et al. 2021. PubMed ID: 34272389). This variant is reported in 0.0026% of alleles in individuals of European (Non-Finnish) descent in gnomAD. Nonsense variants in VWF are expected to be pathogenic. This variant is interpreted as pathogenic.

Angelo Bianchi Bonomi Hemophilia and Thrombosis Center, Fondazione IRCCS Ca Granda Ospedale Maggiore Policlinico
Classification: Likely pathogenic for von Willebrand disease type 3. Last evaluated: 2021-04-12. Review status: no assertion criteria provided. Collection method: clinical testing. Allele origin: germline. Affected: yes. Study: Type 3 Von Willebrand International Registries Inhibitor Prospective Study (3WINTERS-IPS). Not counted in ClinVar's aggregate classification.

Academic Unit of Haematology, University of Sheffield
No classification provided. Review status: no classification provided. Collection method: not provided. Allele origin: not provided. Not counted in ClinVar's aggregate classification.

NM_000552.5(VWF):c.100C>T (p.Arg34Ter)

Gene: VWF (von Willebrand factor; minus strand). Cytogenetic location: 12p13.31.
Variant type: single nucleotide variant.
Coding change: c.100C>T on transcript NM_000552.5 (MANE Select); coding-DNA position 100, C replaced by T.
Protein change: p.Arg34Ter; replaces arginine 34 with a stop codon.
Molecular consequence: nonsense.
Genome position (GRCh38, 1-based): chr12:6,121,294, G>A on the plus strand (C>T on the coding strand, the complement: VWF is on the minus strand). VCF-style: chr12-6121294-G-A. GRCh37 (hg19) VCF-style: chr12-6230460-G-A.
Other names: c.100C>T (NM_000552.4); short protein forms R34*.
Identifiers: ClinVar variation 100171 (VCV000100171.9), dbSNP rs61753984, ClinGen allele CA228255.